The following is an entry in ClinVar:

ClinVar aggregate classification (germline): Uncertain significance (1 of 4 stars; one submission).

Conditions:
Dilated cardiomyopathy 1O (CMD1O). Also called: CARDIOMYOPATHY, DILATED, WITH VENTRICULAR TACHYCARDIA. Identifiers: Orphanet 154, MedGen C1837839, MONDO:0012062, OMIM 608569.

Submission:

Labcorp Genetics (formerly Invitae), Labcorp
Classification: Uncertain significance for Dilated cardiomyopathy 1O. Last evaluated: 2023-05-26. Review status: criteria provided, single submitter. Criteria: Invitae Variant Classification Sherloc (09022015). Collection method: clinical testing. Allele origin: germline.
Comment: This variant has not been reported in the literature in individuals affected with ABCC9-related conditions. This variant is not present in population databases (gnomAD no frequency). This sequence change replaces isoleucine, which is neutral and non-polar, with phenylalanine, which is neutral and non-polar, at codon 703 of the ABCC9 protein (p.Ile703Phe). Advanced modeling of protein sequence and biophysical properties (such as structural, functional, and spatial information, amino acid conservation, physicochemical variation, residue mobility, and thermodynamic stability) has been performed at Invitae for this missense variant, however the output from this modeling did not meet the statistical confidence thresholds required to predict the impact of this variant on ABCC9 protein function. In summary, the available evidence is currently insufficient to determine the role of this variant in disease. Therefore, it has been classified as a Variant of Uncertain Significance.

NM_020297.4(ABCC9):c.2107A>T (p.Ile703Phe)

Gene: ABCC9 (ATP binding cassette subfamily C member 9; minus strand). Cytogenetic location: 12p12.1.
Variant type: single nucleotide variant.
Coding change: c.2107A>T on transcript NM_020297.4 (MANE Select); coding-DNA position 2107, A replaced by T.
Protein change: p.Ile703Phe; replaces isoleucine 703 with phenylalanine.
Molecular consequence: missense variant.
Genome position (GRCh38, 1-based): chr12:21,872,716, T>A on the plus strand (A>T on the coding strand, the complement: ABCC9 is on the minus strand). VCF-style: chr12-21872716-T-A. GRCh37 (hg19) VCF-style: chr12-22025650-T-A.
Other names: c.2107A>T, p.Ile703Phe (NM_001377273.1, NM_005691.4); c.1243A>T, p.Ile415Phe (NM_001377274.1); short protein forms I415F, I703F.
Identifiers: ClinVar variation 2725971 (VCV002725971.3), dbSNP rs2541326681, ClinGen allele CA384132991.
Genomic context (GRCh38, chr12:21,872,716, plus strand): 5'-GCATCTCACCGAGGATGGCAAGGAGAAGAGAGGACTTCCCACATCCTACTTGGCCCACAA[T>A]CATGGTTAACTGACCTAGGAAAGCAAAACAAAGGATAACTACAGAATGAGATGGATTCTT-3'
Protein context (NP_064693.2, residues 693-713): IRIPTGQLTM[Ile703Phe]VGQVGCGKSS